The following is an entry in ClinVar:

NM_004380.3(CREBBP):c.538A>C (p.Asn180His)

Gene: CREBBP (CREB binding lysine acetyltransferase; minus strand). Cytogenetic location: 16p13.3.
Variant type: single nucleotide variant.
Coding change: c.538A>C on transcript NM_004380.3 (MANE Select); coding-DNA position 538, A replaced by C.
Protein change: p.Asn180His; replaces asparagine 180 with histidine.
Molecular consequence: missense variant.
Genome position (GRCh38, 1-based): chr16:3,850,557, T>G on the plus strand (A>C on the coding strand, the complement: CREBBP is on the minus strand). VCF-style: chr16-3850557-T-G. GRCh37 (hg19) VCF-style: chr16-3900558-T-G.
Other names: c.538A>C, p.Asn180His (NM_001079846.1); short protein forms N180H.
Identifiers: ClinVar variation 4070607 (VCV004070607.1).

ClinVar aggregate classification (germline): Uncertain significance (1 of 4 stars; one submission).

Submission:

GeneDx
Classification: Uncertain significance. Last evaluated: 2025-01-21. Review status: criteria provided, single submitter. Criteria: GeneDx Variant Classification Process June 2021. Collection method: clinical testing. Allele origin: germline. Affected: yes.
Comment: Not observed at significant frequency in large population cohorts (gnomAD); In silico analysis indicates that this missense variant does not alter protein structure/function; Has not been previously published as pathogenic or benign to our knowledge